The following is an entry in ClinVar:

NM_024642.5(GALNT12):c.1606-10T>C

Gene: GALNT12 (polypeptide N-acetylgalactosaminyltransferase 12; plus strand). Cytogenetic location: 9q22.33.
Variant type: single nucleotide variant.
Coding change: c.1606-10T>C on transcript NM_024642.5 (MANE Select); 10 bases into the intron before coding-DNA position 1606, T replaced by C.
Molecular consequence: intron variant.
Genome position (GRCh38, 1-based): chr9:98,848,942, T>C. VCF-style: chr9-98848942-T-C. GRCh37 (hg19) VCF-style: chr9-101611224-T-C.
Identifiers: ClinVar variation 1130118 (VCV001130118.10), dbSNP rs981181239, ClinGen allele CA196833941.

ClinVar aggregate classification (germline): Likely benign. Review status: criteria provided, multiple submitters, no conflicts (2 of 4 stars). 2 submissions from 2 submitters: Likely benign (2). Last evaluated 2026-04-22.

Conditions:
Colorectal cancer, susceptibility to, 1. Also called: COLORECTAL ADENOMA AND CANCER, SUSCEPTIBILITY TO; COLORECTAL CANCER, SUSCEPTIBILITY TO, ON CHROMOSOME 9. Identifiers: MedGen C1837315, MONDO:0012132, OMIM 608812.

Allele frequency attached by ClinVar (database versions not stated): gnomAD 0.00001; TOPMed 0.00003; gnomAD exomes below 0.00001.
gnomAD v4.1: 10 of 1,614,104 alleles (0.00062%); highest among the groups gnomAD compares: Non-Finnish European, 0.00076%; no homozygotes.

Submissions (2):

Myriad Genetics, Inc.
Classification: Likely benign for Colorectal cancer, susceptibility to, 1. Last evaluated: 2026-04-22. Review status: criteria provided, single submitter. Criteria: Myriad Autosomal Dominant, Autosomal Recessive and X-Linked Classification Criteria (2023). Collection method: clinical testing. Allele origin: unknown.
Comment: This variant is considered likely benign. This variant is intronic and is not expected to impact mRNA splicing.

Labcorp Genetics (formerly Invitae), Labcorp
Classification: Likely benign. Last evaluated: 2024-07-09. Review status: criteria provided, single submitter. Criteria: Invitae Variant Classification Sherloc (09022015). Collection method: clinical testing. Allele origin: germline.